The following is an entry in ClinVar:

ClinVar aggregate classification (germline): Uncertain significance (1 of 4 stars; one submission).

gnomAD v4.1: 1 of 1,614,174 alleles (0.000062%); no homozygotes.

Submission:

Kariminejad - Najmabadi Pathology & Genetics Center
Classification: Uncertain significance. Last evaluated: 2018-12-20. Review status: criteria provided, single submitter. Criteria: ACMG Guidelines, 2015. Collection method: clinical testing. Allele origin: germline. Inheritance: Autosomal dominant inheritance. Affected: yes.
Comment: PM2, PP3

NM_007289.4(MME):c.23T>G (p.Met8Arg)

Gene: MME (membrane metalloendopeptidase; plus strand). Cytogenetic location: 3q25.2.
Variant type: single nucleotide variant.
Coding change: c.23T>G on transcript NM_007289.4 (MANE Select); coding-DNA position 23, T replaced by G.
Protein change: p.Met8Arg; replaces methionine 8 with arginine.
Molecular consequence: missense variant.
Genome position (GRCh38, 1-based): chr3:155,084,190, T>G. VCF-style: chr3-155084190-T-G. GRCh37 (hg19) VCF-style: chr3-154801979-T-G.
Other names: c.23T>G, p.Met8Arg (NM_000902.5, NM_001354642.2, NM_001354643.1 and 3 more transcripts); short protein forms M8R.
Identifiers: ClinVar variation 3896913 (VCV003896913.1).